The following is an entry in ClinVar:

NM_001605.3(AARS1):c.250G>T (p.Asp84Tyr)

Gene: AARS1 (alanyl-tRNA synthetase 1; minus strand). Cytogenetic location: 16q22.1.
Variant type: single nucleotide variant.
Coding change: c.250G>T on transcript NM_001605.3 (MANE Select); coding-DNA position 250, G replaced by T.
Protein change: p.Asp84Tyr; replaces aspartic acid 84 with tyrosine.
Molecular consequence: missense variant.
Genome position (GRCh38, 1-based): chr16:70,277,049, C>A on the plus strand (G>T on the coding strand, the complement: AARS1 is on the minus strand). VCF-style: chr16-70277049-C-A. GRCh37 (hg19) VCF-style: chr16-70310952-C-A.
Other names: short protein forms D84Y.
Identifiers: ClinVar variation 2745091 (VCV002745091.3), dbSNP rs2507029650, ClinGen allele CA396569625.

ClinVar aggregate classification (germline): Uncertain significance (1 of 4 stars; one submission).

Conditions:
Charcot-Marie-Tooth disease type 2. Also called: Charcot-Marie-Tooth type 2. Identifiers: Orphanet 64746, MedGen C0270914, MONDO:0018993.

Submission:

Labcorp Genetics (formerly Invitae), Labcorp
Classification: Uncertain significance for Charcot-Marie-Tooth disease type 2. Last evaluated: 2023-08-02. Review status: criteria provided, single submitter. Criteria: Invitae Variant Classification Sherloc (09022015). Collection method: clinical testing. Allele origin: germline.
Comment: In summary, the available evidence is currently insufficient to determine the role of this variant in disease. Therefore, it has been classified as a Variant of Uncertain Significance. Advanced modeling of protein sequence and biophysical properties (such as structural, functional, and spatial information, amino acid conservation, physicochemical variation, residue mobility, and thermodynamic stability) performed at Invitae indicates that this missense variant is expected to disrupt AARS protein function. This variant has not been reported in the literature in individuals affected with AARS-related conditions. This variant is not present in population databases (gnomAD no frequency). This sequence change replaces aspartic acid, which is acidic and polar, with tyrosine, which is neutral and polar, at codon 84 of the AARS protein (p.Asp84Tyr).